The following is an entry in ClinVar:

ClinVar aggregate classification (germline): Uncertain significance (1 of 4 stars; one submission).

Conditions:
Intellectual developmental disorder, X-linked 99. Also called: Intellectual disability, X-linked 99. Identifiers: Orphanet 777, MedGen C3806746, MONDO:0010487, OMIM 300919.
Intellectual developmental disorder, X-linked 99, syndromic, female-restricted. Also called: Intellectual disability, X-linked 99, syndromic, female-restricted. Identifiers: MedGen C4225416, MONDO:0010502, OMIM 300968.

Submissions (2):

Juno Genomics, Hangzhou Juno Genomics, Inc
Classification: Uncertain significance for Intellectual developmental disorder, X-linked 99; Intellectual developmental disorder, X-linked 99, syndromic, female-restricted. Review status: criteria provided, single submitter. Criteria: ACMG Guidelines, 2015. Collection method: clinical testing. Allele origin: germline.
Comment: Absent from controls (or at extremely low frequency if recessive) in Genome Aggregation Database.

Dr. Peter K. Rogan Lab, Western University
No classification provided (evidence only). Condition: Nonpapillary renal cell carcinoma. Review status: no classification provided. Collection method: in vitro. Allele origin: not applicable. Functional consequence: retained intron. Not counted in ClinVar's aggregate classification.

NM_001039591.3(USP9X):c.1314G>A (p.Gln438=)

Gene: USP9X (ubiquitin specific peptidase 9 X-linked; plus strand). Cytogenetic location: Xp11.4.
Variant type: single nucleotide variant.
Coding change: c.1314G>A on transcript NM_001039591.3 (MANE Select); coding-DNA position 1314, G replaced by A.
Protein change: p.Gln438=; no amino-acid change (glutamine 438 retained).
Molecular consequence: synonymous variant.
Genome position (GRCh38, 1-based): chrX:41,143,443, G>A. VCF-style: chrX-41143443-G-A. GRCh37 (hg19) VCF-style: chrX-41002696-G-A.
Other names: NC_000023.10:g.41002696G>A; c.1314G>A, p.Gln438= (NM_001039590.3, NM_001410748.1, NM_001410749.1 and 1 more transcripts).
Identifiers: ClinVar variation 4488708 (VCV004488708.3).